The following is an entry in ClinVar:

NM_138348.6(OTULIN):c.553G>T (p.Val185Phe)

Gene: OTULIN (OTU deubiquitinase with linear linkage specificity; plus strand). Cytogenetic location: 5p15.2.
Variant type: single nucleotide variant.
Coding change: c.553G>T on transcript NM_138348.6 (MANE Select); coding-DNA position 553, G replaced by T.
Protein change: p.Val185Phe; replaces valine 185 with phenylalanine.
Molecular consequence: missense variant.
Genome position (GRCh38, 1-based): chr5:14,687,605, G>T. VCF-style: chr5-14687605-G-T. GRCh37 (hg19) VCF-style: chr5-14687714-G-T.
Other names: short protein forms V185F.
Identifiers: ClinVar variation 1027709 (VCV001027709.1), dbSNP rs867617260, ClinGen allele CA114012227.

ClinVar aggregate classification (germline): Uncertain significance (1 of 4 stars; one submission).

Conditions:
Autoinflammation, panniculitis, and dermatosis syndrome, autosomal recessive (AIPDSB). Also called: OTULIN-RELATED AUTOINFLAMMATORY SYNDROME; OTULIPENIA. Identifiers: Orphanet 500062, MedGen C4310614, MONDO:0014912, OMIM 617099.

gnomAD v4.1: 2 of 1,614,088 alleles (0.00012%); highest among the groups gnomAD compares: Middle Eastern, 0.033%; no homozygotes.

Submission:

Baylor Genetics
Classification: Uncertain significance for Autoinflammation, panniculitis, and dermatosis syndrome, autosomal recessive. Last evaluated: 2020-05-05. Review status: criteria provided, single submitter. Criteria: ACMG Guidelines, 2015. Collection method: clinical testing. Allele origin: unknown. Affected: yes.
Comment: This variant was determined to be of uncertain significance according to ACMG Guidelines, 2015 [PMID:25741868].